The following is an entry in ClinVar:

NM_000540.3(RYR1):c.54G>A (p.Glu18=)

Gene: RYR1 (ryanodine receptor 1; plus strand). Cytogenetic location: 19q13.2.
Variant type: single nucleotide variant.
Coding change: c.54G>A on transcript NM_000540.3 (MANE Select); coding-DNA position 54, G replaced by A.
Protein change: p.Glu18=; no amino-acid change (glutamic acid 18 retained).
Molecular consequence: synonymous variant.
Genome position (GRCh38, 1-based): chr19:38,440,753, G>A. VCF-style: chr19-38440753-G-A. GRCh37 (hg19) VCF-style: chr19-38931393-G-A.
Other names: c.54G>A, p.Glu18= (NM_001042723.2).
Identifiers: ClinVar variation 1138931 (VCV001138931.10), dbSNP rs1389217484, ClinGen allele CA507238322.
Genomic context (GRCh38, chr19:38,440,753, plus strand): 5'-TTGTGGTATCCGGGCCAGGCCCCCCTGGAGACGCTGCCCCTCGGTTCCGCAGGACGATGA[G>A]GTGGTCCTGCAGTGCAGCGCTACCGTGCTCAAGGAGCAGCTCAAGCTCTGCCTGGCCGCC-3'
Protein context (NP_000531.2, residues 8-28): DEVQFLRTDD[Glu18=]VVLQCSATVL

ClinVar aggregate classification (germline): Likely benign. Review status: criteria provided, multiple submitters, no conflicts (2 of 4 stars). 2 submissions from 2 submitters: Likely benign (2). Last evaluated 2024-06-25.

Conditions:
Malignant hyperthermia, susceptibility to, 1 (MHS1). Also called: RYR1-Related Malignant Hyperthermia Susceptibility; Malignant hyperthermia suceptibility 1; Anesthesia related hyperthermia; Malignant hyperpyrexia; Fulminating hyperpyrexia; Pharmacogenic myopathy. Identifiers: Orphanet 423, MedGen C2930980, MONDO:0007783, OMIM 145600.
RYR1-related disorder. Also called: RYR1-related condition; RYR1-related disorders. Identifiers: MedGen CN239331.

Allele frequency attached by ClinVar (database versions not stated): gnomAD exomes below 0.00001 and 0.00001.
gnomAD v4.1: 12 of 1,607,202 alleles (0.00075%); highest among the groups gnomAD compares: African/African-American, 0.0013%; no homozygotes.

Submissions (2):

Labcorp Genetics (formerly Invitae), Labcorp
Classification: Likely benign for RYR1-related disorder. Last evaluated: 2024-06-25. Review status: criteria provided, single submitter. Criteria: Invitae Variant Classification Sherloc (09022015). Collection method: clinical testing. Allele origin: germline.

All of Us Research Program, National Institutes of Health
Classification: Likely benign for Malignant hyperthermia, susceptibility to, 1. Last evaluated: 2023-11-20. Review status: criteria provided, single submitter. Criteria: ACMG Guidelines, 2015. Collection method: clinical testing. Allele origin: germline. Inheritance: Autosomal dominant inheritance. Observed: 1 variant allele, 1 heterozygote.
Comment: This study involves interpretation of variants in research participants for the purpose of population health screening. Participant phenotype was not available at the time of variant classification. Additional details can be found in publication PMID: 35346344, PMCID: PMC8962531